The following is an entry in ClinVar:

ClinVar aggregate classification (germline): Uncertain significance (1 of 4 stars; one submission).

Submission:

Labcorp Genetics (formerly Invitae), Labcorp
Classification: Uncertain significance. Last evaluated: 2023-11-27. Review status: criteria provided, single submitter. Criteria: Invitae Variant Classification Sherloc (09022015). Collection method: clinical testing. Allele origin: germline.
Comment: This sequence change replaces alanine, which is neutral and non-polar, with threonine, which is neutral and polar, at codon 453 of the C6 protein (p.Ala453Thr). This variant is not present in population databases (gnomAD no frequency). This variant has not been reported in the literature in individuals affected with C6-related conditions. ClinVar contains an entry for this variant (Variation ID: 2118012). An algorithm developed to predict the effect of missense changes on protein structure and function (PolyPhen-2) suggests that this variant is likely to be disruptive. In summary, the available evidence is currently insufficient to determine the role of this variant in disease. Therefore, it has been classified as a Variant of Uncertain Significance.

NM_000065.5(C6):c.1357G>A (p.Ala453Thr)

Gene: C6 (complement C6; minus strand). Cytogenetic location: 5p13.1.
Variant type: single nucleotide variant.
Coding change: c.1357G>A on transcript NM_000065.5 (MANE Select); coding-DNA position 1357, G replaced by A.
Protein change: p.Ala453Thr; replaces alanine 453 with threonine.
Molecular consequence: missense variant.
Genome position (GRCh38, 1-based): chr5:41,161,794, C>T on the plus strand (G>A on the coding strand, the complement: C6 is on the minus strand). VCF-style: chr5-41161794-C-T. GRCh37 (hg19) VCF-style: chr5-41161896-C-T.
Other names: c.1357G>A, p.Ala453Thr (NM_001115131.4); short protein forms A453T.
Identifiers: ClinVar variation 2118012 (VCV002118012.4), dbSNP rs2478501837, ClinGen allele CA359598304.
Genomic context (GRCh38, chr5:41,161,794, plus strand): 5'-ACCACTCAGAAAATGTCTTCTCCTCCAGACCAGAGCTCCCTTTCTCCCATGCCAAAGCTG[C>T]TCCATATTCACTCCTTCCACCTCGAATCAGGGATATGGATTTCTCTGCTCCCTGTATAAA-3'
Protein context (NP_000056.2, residues 443-463): LIRGGRSEYG[Ala453Thr]ALAWEKGSSG